The following is an entry in ClinVar:

ClinVar aggregate classification (germline): Benign/Likely benign. Review status: criteria provided, multiple submitters, no conflicts (2 of 4 stars). 4 submissions from 4 submitters: Benign (1); Likely benign (3). Last evaluated 2026-04-14.

Conditions:
Familial intrahepatic cholestasis. Identifiers: Orphanet 284385, MedGen CN296401, MONDO:0017290.

Allele frequency attached by ClinVar (database versions not stated): gnomAD exomes 0.00008 and 0.00022; ExAC 0.00031; gnomAD 0.00081 and 0.00086; ESP Exome Variant Server 0.00091; TOPMed 0.00094; 1000 Genomes Project 30x 0.00156; 1000 Genomes Project 0.00200.
gnomAD v4.1: 236 of 1,613,808 alleles (0.015%); highest among the groups gnomAD compares: African/African-American, 0.3%; no homozygotes.

Submissions (4):

Genomenon, Inc
Classification: Likely benign for Familial intrahepatic cholestasis. Last evaluated: 2026-04-14. Review status: criteria provided, single submitter. Criteria: Genomenon Sequence Variant Interpretation Standards - Updated. Collection method: curation. Allele origin: germline. Affected: no.
Comment: ABCB11 c.3435A>G is a synonymous variant that retains Lysine at residue 1145. This variant has been reported in the published literature (PMID:20010382;22795478). This synonymous variant is not predicted to impact splicing. This variant's allele frequency in gnomAD is greater than expected for this disorder. In conclusion, we classify ABCB11 p.Lys1145= (c.3435A>G) as a likely benign variant.

Labcorp Genetics (formerly Invitae), Labcorp
Classification: Benign. Last evaluated: 2026-01-20. Review status: criteria provided, single submitter. Criteria: Invitae Variant Classification Sherloc (09022015). Collection method: clinical testing. Allele origin: germline.

GeneDx
Classification: Likely benign. Last evaluated: 2018-04-23. Review status: criteria provided, single submitter. Criteria: GeneDx Variant Classification Process June 2021. Collection method: clinical testing. Allele origin: germline. Affected: yes.

Eurofins Ntd Llc (ga)
Classification: Likely benign. Last evaluated: 2016-08-02. Review status: criteria provided, single submitter. Criteria: EGL Classification Definitions 2015. Collection method: clinical testing. Allele origin: germline. Observed: 2 variant alleles, 2 heterozygotes.

Literature cited by the submitters: PubMed 20010382 (cited by Genomenon, Inc and Eurofins Ntd Llc (ga)); PubMed 22795478 (cited by Genomenon, Inc).

NM_003742.4(ABCB11):c.3435A>G (p.Lys1145=)

Gene: ABCB11 (ATP binding cassette subfamily B member 11; minus strand). Cytogenetic location: 2q31.1.
Variant type: single nucleotide variant.
Coding change: c.3435A>G on transcript NM_003742.4 (MANE Select); coding-DNA position 3435, A replaced by G.
Protein change: p.Lys1145=; no amino-acid change (lysine 1145 retained).
Molecular consequence: synonymous variant.
Genome position (GRCh38, 1-based): chr2:168,927,339, T>C on the plus strand (A>G on the coding strand, the complement: ABCB11 is on the minus strand). VCF-style: chr2-168927339-T-C. GRCh37 (hg19) VCF-style: chr2-169783849-T-C.
Other names: c.3435A>G, p.Lys1145= (LRG_1199t1).
Identifiers: ClinVar variation 283582 (VCV000283582.17), dbSNP rs11568366, ClinGen allele CA1951013.